The following is an entry in ClinVar:

NM_000709.4(BCKDHA):c.208C>T (p.Pro70Ser)

Gene: BCKDHA (branched chain keto acid dehydrogenase E1 subunit alpha; plus strand). Cytogenetic location: 19q13.2.
Variant type: single nucleotide variant.
Coding change: c.208C>T on transcript NM_000709.4 (MANE Select); coding-DNA position 208, C replaced by T.
Protein change: p.Pro70Ser; replaces proline 70 with serine.
Molecular consequence: missense variant.
Genome position (GRCh38, 1-based): chr19:41,410,736, C>T. VCF-style: chr19-41410736-C-T. GRCh37 (hg19) VCF-style: chr19-41916641-C-T.
Other names: c.208C>T, p.Pro70Ser (NM_001164783.2); short protein forms P70S.
Identifiers: ClinVar variation 2156143 (VCV002156143.1), dbSNP rs756747400, ClinGen allele CA9461025.

ClinVar aggregate classification (germline): Uncertain significance (1 of 4 stars; one submission).

Conditions:
Maple syrup urine disease (MSUD). Identifiers: Orphanet 511, MedGen C0024776, MeSH D008375, MONDO:0009563. Disease mechanism: loss of function.

Allele frequency attached by ClinVar (database versions not stated): gnomAD exomes 0.00001; ExAC 0.00002.
gnomAD v4.1: 3 of 1,614,156 alleles (0.00019%); highest among the groups gnomAD compares: Non-Finnish European, 0.00025%; no homozygotes.

Submission:

Labcorp Genetics (formerly Invitae), Labcorp
Classification: Uncertain significance for Maple syrup urine disease. Last evaluated: 2022-09-27. Review status: criteria provided, single submitter. Criteria: Invitae Variant Classification Sherloc (09022015). Collection method: clinical testing. Allele origin: germline.
Comment: This sequence change replaces proline, which is neutral and non-polar, with serine, which is neutral and polar, at codon 70 of the BCKDHA protein (p.Pro70Ser). This variant is present in population databases (rs756747400, gnomAD 0.003%). This variant has not been reported in the literature in individuals affected with BCKDHA-related conditions. Advanced modeling of protein sequence and biophysical properties (such as structural, functional, and spatial information, amino acid conservation, physicochemical variation, residue mobility, and thermodynamic stability) has been performed at Invitae for this missense variant, however the output from this modeling did not meet the statistical confidence thresholds required to predict the impact of this variant on BCKDHA protein function. In summary, the available evidence is currently insufficient to determine the role of this variant in disease. Therefore, it has been classified as a Variant of Uncertain Significance.